The following is an entry in ClinVar:

ClinVar aggregate classification (germline): Conflicting classifications of pathogenicity. Review status: criteria provided, conflicting classifications (1 of 4 stars). 2 submissions from 2 submitters: Uncertain significance (1); Likely benign (1). Last evaluated 2025-06-04.

Conditions:
Primary ciliary dyskinesia. Also called: Ciliary dyskinesia. Identifiers: Orphanet 244, MedGen C0008780, MONDO:0016575, HP:0012265.
Primary ciliary dyskinesia 3. Identifiers: Orphanet 244, MedGen C1837618, MONDO:0012085, OMIM 608644.

Allele frequency attached by ClinVar (database versions not stated): gnomAD 0.00001; ExAC 0.00002; TOPMed 0.00003; 1000 Genomes Project 30x 0.00016; 1000 Genomes Project 0.00020.
gnomAD v4.1: 16 of 1,614,066 alleles (0.00099%); highest among the groups gnomAD compares: East Asian, 0.029%; no homozygotes.

Submissions (2):

Labcorp Genetics (formerly Invitae), Labcorp
Classification: Likely benign for Primary ciliary dyskinesia. Last evaluated: 2025-06-04. Review status: criteria provided, single submitter. Criteria: Invitae Variant Classification Sherloc (09022015). Collection method: clinical testing. Allele origin: germline.

Juno Genomics, Hangzhou Juno Genomics, Inc
Classification: Uncertain significance for Primary ciliary dyskinesia 3. Review status: criteria provided, single submitter. Criteria: ACMG Guidelines, 2015. Collection method: clinical testing. Allele origin: germline.
Comment: Absent from controls (or at extremely low frequency if recessive) in Genome Aggregation Database.;Multiple lines of computational evidence suggest no impact on gene or gene product.

NM_001369.3(DNAH5):c.4003G>A (p.Val1335Met)

Genes: DNAH5 (dynein axonemal heavy chain 5; minus strand), DNAH5-AS1 (DNAH5 antisense RNA 1; plus strand). Cytogenetic location: 5p15.2.
Variant type: single nucleotide variant.
Coding change: c.4003G>A on transcript NM_001369.3 (MANE Select); coding-DNA position 4003, G replaced by A.
Protein change: p.Val1335Met; replaces valine 1335 with methionine.
Molecular consequence: missense variant.
Genome position (GRCh38, 1-based): chr5:13,867,824, C>T on the plus strand (G>A on the coding strand, the complement: DNAH5 is on the minus strand). VCF-style: chr5-13867824-C-T. GRCh37 (hg19) VCF-style: chr5-13867933-C-T.
Other names: short protein forms V1335M.
Identifiers: ClinVar variation 2143890 (VCV002143890.6), dbSNP rs201794224, ClinGen allele CA3204120.
Genomic context (GRCh38, chr5:13,867,824, plus strand): 5'-AGAGACATACCAAATCATAGTCCAGATAAAACTGGTGACAATCTTGGAGGAATACCTCCA[C>T]AGCACTAATAAGCTCTTTCTTGAAACTGGGCTGCAGTGAGACTAATTTATTCTGGACTTC-3'
Protein context (NP_001360.1, residues 1325-1345): PSFKKELISA[Val1335Met]EVFLQDCHQF